The following is an entry in ClinVar:

ClinVar aggregate classification (germline): Likely pathogenic (1 of 4 stars; one submission).

Submission:

Quest Diagnostics Nichols Institute San Juan Capistrano
Classification: Likely pathogenic. Last evaluated: 2023-05-04. Review status: criteria provided, single submitter. Criteria: ACMG/ClinGen CNV Guidelines, 2019. Collection method: clinical testing. Allele origin: unknown.
Comment: This loss involves several entire protein-coding genes, including PLAG1 (OMIM 603026). Heterozygous nonsense and frameshift variants of PLAG1 are associated with autosomal dominant Silver-Russell syndrome-4 (SRS, OMIM 618907, Abi Habib 2018, Inoue 2020, Meyer 2021, Vado 2020). There are no similar copy number losses of this region in the general populations of the Database of Genomic Variants. Thus, this copy number variant (CNV) is interpreted as likely pathogenic. References: Abi Habib et al., Genet Med. 2018 Feb;20(2):250-258. PMID: 28796236 PMID: 34223693 Inoue et al., Clin Epigenetics. 2020 Jun 16;12(1):86. PMID: 32546215 Meyer et al., Orphanet J Rare Dis. 2021 Jan 22;16(1):42. PMID: 33482836 Vado et al., Genes (Basel). 2020 Dec 5;11(12):1461. PMID: 33291420

GRCh37/hg19 8q12.1(chr8:57048524-58117681)x1

Genes: BPNT2 (3'(2'), 5'-bisphosphate nucleotidase 2; minus strand), CHCHD7 (coiled-coil-helix-coiled-coil-helix domain containing 7; plus strand), PENK (proenkephalin; minus strand), PLAG1 (PLAG1 zinc finger; minus strand), SDR16C5 (short chain dehydrogenase/reductase family 16C member 5; minus strand). Cytogenetic location: 8q12.1.
Variant type: copy number loss.
Change: copy number 1 (one copy instead of two) of chr8:57,048,524-58,117,681 (1.07 Mb, GRCh37 coordinates, 1-based), cytogenetic band 8q12.1.
Identifiers: ClinVar variation 2685311 (VCV002685311.1).